The following is an entry in ClinVar:

ClinVar aggregate classification (germline): Uncertain significance. Review status: criteria provided, multiple submitters, no conflicts (2 of 4 stars). 2 submissions from 2 submitters: Uncertain significance (2). Last evaluated 2026-01-06.

Conditions:
Combined immunodeficiency due to STIM1 deficiency. Also called: IMMUNODEFICIENCY 10; STIM1 DEFICIENCY. Identifiers: Orphanet 169090, Orphanet 317430, MedGen C2748557, MONDO:0013008, OMIM 612783.
Stormorken syndrome (STRMK). Also called: THROMBOCYTOPATHY, ASPLENIA, AND MIOSIS. Identifiers: Orphanet 3204, MedGen C1861451, MONDO:0008497, OMIM 185070.
Myopathy with tubular aggregates (TAM). Also called: Tubular Aggregate Myopathy. Identifiers: Orphanet 2593, MedGen C0410207, MONDO:0008051.

Allele frequency attached by ClinVar (database versions not stated): gnomAD exomes 0.00005 and 0.00004; ExAC 0.00007; TOPMed 0.00004; ESP Exome Variant Server 0.00008; gnomAD 0.00008.
gnomAD v4.1: 91 of 1,614,086 alleles (0.0056%); highest among the groups gnomAD compares: Non-Finnish European, 0.0069%; no homozygotes.

Submissions (2):

Labcorp Genetics (formerly Invitae), Labcorp
Classification: Uncertain significance for Myopathy with tubular aggregates; Combined immunodeficiency due to STIM1 deficiency; Stormorken syndrome. Last evaluated: 2026-01-06. Review status: criteria provided, single submitter. Criteria: Invitae Variant Classification Sherloc (09022015). Collection method: clinical testing. Allele origin: germline.
Comment: This sequence change replaces aspartic acid, which is acidic and polar, with asparagine, which is neutral and polar, at codon 632 of the STIM1 protein (p.Asp632Asn). This variant is present in population databases (rs369549218, gnomAD 0.01%). This variant has not been reported in the literature in individuals affected with STIM1-related conditions. ClinVar contains an entry for this variant (Variation ID: 665790). Invitae Evidence Modeling of protein sequence and biophysical properties (such as structural, functional, and spatial information, amino acid conservation, physicochemical variation, residue mobility, and thermodynamic stability) has been performed for this missense variant. However, the output from this modeling did not meet the statistical confidence thresholds required to predict the impact of this variant on STIM1 protein function. In summary, the available evidence is currently insufficient to determine the role of this variant in disease. Therefore, it has been classified as a Variant of Uncertain Significance.

GeneDx
Classification: Uncertain significance. Last evaluated: 2022-01-03. Review status: criteria provided, single submitter. Criteria: GeneDx Variant Classification Process June 2021. Collection method: clinical testing. Allele origin: germline. Affected: yes.
Comment: Has not been previously published as pathogenic or benign to our knowledge; In silico analysis supports that this missense variant does not alter protein structure/function

NM_001382567.1(STIM1):c.1987G>A (p.Asp663Asn)

Genes: STIM1 (stromal interaction molecule 1; plus strand), LOC124418421 (Sharpr-MPRA regulatory region 9588; plus strand). Cytogenetic location: 11p15.4.
Variant type: single nucleotide variant.
Coding change: c.1987G>A on transcript NM_001382567.1 (MANE Select); coding-DNA position 1987, G replaced by A.
Protein change: p.Asp663Asn; replaces aspartic acid 663 with asparagine.
Molecular consequence: missense variant. On other transcripts: 3 prime UTR variant (4), non-coding transcript variant (3).
Genome position (GRCh38, 1-based): chr11:4,091,634, G>A. VCF-style: chr11-4091634-G-A. GRCh37 (hg19) VCF-style: chr11-4112864-G-A.
Other names: c.2212G>A, p.Asp738Asn (NM_001277961.3); c.*308G>A (NM_001277962.2, NM_001382578.1, NM_001382579.1 and 1 more transcripts); c.1990G>A, p.Asp664Asn (NM_001382566.1); c.1915G>A, p.Asp639Asn (NM_001382568.1); c.1759G>A, p.Asp587Asn (NM_001382569.1); c.1666G>A, p.Asp556Asn (NM_001382570.1); c.1414G>A, p.Asp472Asn (NM_001382571.1); c.1672G>A, p.Asp558Asn (NM_001382575.1, NM_001382576.1, NM_001382577.1); and 2 more; short protein forms D632N, D738N, D469N, D472N, D556N, D558N, D587N, D639N.
Identifiers: ClinVar variation 665790 (VCV000665790.9), dbSNP rs369549218, ClinGen allele CA5830646.
Genomic context (GRCh38, chr11:4,091,634, plus strand): 5'-GATTCTTCCCGTTCTCACAGCCCCAGCTCCCCAGACCCAGACACACCATCTCCAGTTGGG[G>A]ACAGCCGAGCCCTGCAAGCCAGCCGAAACACACGCATTCCCCACCTGGCTGGCAAGAAGG-3'
Protein context (NP_001369496.1, residues 653-673): PDPDTPSPVG[Asp663Asn]SRALQASRNT